The following is an entry in ClinVar:

ClinVar aggregate classification (germline): Likely pathogenic (1 of 4 stars; one submission).

Conditions:
Fabry disease. Also called: ALPHA-GALACTOSIDASE A DEFICIENCY; ANDERSON-FABRY DISEASE; CERAMIDE TRIHEXOSIDASE DEFICIENCY; GLA DEFICIENCY; HEREDITARY DYSTOPIC LIPIDOSIS; Angiokeratoma corporis diffusum. Identifiers: Orphanet 324, MedGen C0002986, MONDO:0010526, OMIM 301500, HP:0001071. Disease mechanism: Fabry disease is due to inactivating mutations in the X-linked GLA gene resulting in deficiency of the enzyme Alpha Galactosidase-A., loss of function.

Submission:

Genomenon, Inc
Classification: Likely pathogenic for Fabry disease. Last evaluated: 2026-09-08. Review status: criteria provided, single submitter. Criteria: Genomenon Sequence Variant Interpretation Standards - Updated. Collection method: curation. Allele origin: germline. Affected: yes.
Comment: GLA p.Gln312Arg (c.935A>G) is a missense variant that changes the amino acid at codon 312 from Glutamine to Arginine. This variant has been observed in at least one proband with clinical features consistent with Fabry disease (PMID:29543226;18205205;27834756;27657681). The variant was found to segregate with disease in at least one affected family (PMID:18205205). Functional or patient cell studies have been reported (PMID:29543226;34205365;27657681;18205205). It is absent or not present at a significant frequency in gnomAD. In silico models predict that this variant is possibly or probably damaging. In conclusion, we classify GLA p.Gln312Arg (c.935A>G) as a likely pathogenic variant.

Literature cited by the submitters: PubMed 29543226; PubMed 18205205; PubMed 27834756; PubMed 27657681; PubMed 34205365.

NM_000169.3(GLA):c.935A>G (p.Gln312Arg)

Genes: GLA (galactosidase alpha; minus strand), RPL36A-HNRNPH2 (RPL36A-HNRNPH2 readthrough; plus strand). Cytogenetic location: Xq22.1.
Variant type: single nucleotide variant.
Coding change: c.935A>G on transcript NM_000169.3 (MANE Select); coding-DNA position 935, A replaced by G.
Protein change: p.Gln312Arg; replaces glutamine 312 with arginine.
Molecular consequence: missense variant. On other transcripts: non-coding transcript variant (3), intron variant (2).
Genome position (GRCh38, 1-based): chrX:101,398,434, T>C on the plus strand (A>G on the coding strand, the complement: GLA is on the minus strand). VCF-style: chrX-101398434-T-C. GRCh37 (hg19) VCF-style: chrX-100653422-T-C.
Other names: c.1058A>G, p.Gln353Arg (NM_001406747.1); c.935A>G, p.Gln312Arg (NM_001406748.1); c.300+2977T>C (NM_001199973.2); c.177+6612T>C (NM_001199974.2); short protein forms Q312R, Q353R.
Identifiers: ClinVar variation 4087591 (VCV004087591.2).